The following is an entry in ClinVar:

ClinVar aggregate classification (germline): Likely pathogenic (1 of 4 stars; one submission).

Submission:

GeneDx
Classification: Likely pathogenic. Last evaluated: 2016-07-29. Review status: criteria provided, single submitter. Criteria: GeneDx Variant Classification (06012015). Collection method: clinical testing. Allele origin: germline. Affected: yes.
Comment: The Q536R variant in the GRIN1 gene has not been reported previously as a pathogenic variant, nor as a benign variant, to our knowledge. The Q536R variant was not observed in approximately 6300 individuals of European and African American ancestry in the NHLBI Exome Sequencing Project, indicating it is not a common benign variant in these populations. The Q536R variant is a semi-conservative amino acid substitution, which may impact secondary protein structure as these residues differ in some properties. This substitution occurs at a position that is conserved across species. In silico analysis predicts this variant is probably damaging to the protein structure/function. We interpret Q536R as a likely pathogenic variant

NM_007327.4(GRIN1):c.1607A>G (p.Gln536Arg)

Gene: GRIN1 (glutamate ionotropic receptor NMDA type subunit 1; plus strand). Cytogenetic location: 9q34.3.
Variant type: single nucleotide variant.
Coding change: c.1607A>G on transcript NM_007327.4 (MANE Select); coding-DNA position 1607, A replaced by G.
Protein change: p.Gln536Arg; replaces glutamine 536 with arginine.
Molecular consequence: missense variant.
Genome position (GRCh38, 1-based): chr9:137,162,063, A>G. VCF-style: chr9-137162063-A-G. GRCh37 (hg19) VCF-style: chr9-140056515-A-G.
Other names: c.1607A>G, p.Gln536Arg (NM_000832.7, NM_021569.4); c.1670A>G, p.Gln557Arg (NM_001185090.2, NM_001185091.2); short protein forms Q536R, Q557R.
Identifiers: ClinVar variation 421743 (VCV000421743.2), dbSNP rs1064795337, ClinGen allele CA16618809.